The following is an entry in ClinVar:

ClinVar aggregate classification (germline): Uncertain significance (1 of 4 stars; one submission).

Submission:

GeneDx
Classification: Uncertain significance. Last evaluated: 2022-06-07. Review status: criteria provided, single submitter. Criteria: GeneDx Variant Classification Process June 2021. Collection method: clinical testing. Allele origin: germline. Affected: yes.
Comment: In-frame deletion of 1 amino acid in a non-repeat region; In silico analysis supports a deleterious effect on protein structure/function; Has not been previously published as pathogenic or benign to our knowledge

NM_017780.4(CHD7):c.905CTA[1] (p.Thr303del)

Gene: CHD7 (chromodomain helicase DNA binding protein 7; plus strand). Cytogenetic location: 8q12.2.
Variant type: Microsatellite.
Coding change: c.905CTA[1] on transcript NM_017780.4 (MANE Select); one copy of the 3-base unit CTA starting at c.905; the reference has two copies in a row; one copy, 3 bases deleted; also written c.908_910del.
Protein change: p.Thr303del; deletes threonine 303.
Molecular consequence: inframe deletion. On other transcripts: inframe indel (2).
Genome position (GRCh38, 1-based): chr8:60,742,340-60,742,342, CTA deleted; deleting any 3 consecutive bases within chr8:60,742,337-60,742,342 gives the same sequence; the position shown is the placement nearest the transcript's 3' end. VCF-style (leftmost placement, unchanged base first): chr8-60742336-CCTA-C. GRCh37 (hg19) VCF-style: chr8-61654895-CCTA-C.
Other names: c.905CTA[1], p.Thr303del (NM_001316690.1); c.905_907CTA[1], p.Thr303del (NM_017780.2); c.908_910del (NM_017780.2); short protein forms T303del.
Identifiers: ClinVar variation 1803600 (VCV001803600.1), dbSNP rs1563560944, ClinGen allele CA582403377.